The following is an entry in ClinVar:

ClinVar aggregate classification (germline): Conflicting classifications of pathogenicity. Review status: criteria provided, conflicting classifications (1 of 4 stars). 4 submissions from 4 submitters: Uncertain significance (1); Likely benign (2). 1 of the submissions does not count toward it. Last evaluated 2026-01-09.

Conditions:
Succinate-semialdehyde dehydrogenase deficiency (SSADHD). Also called: Succinic Semialdehyde Dehydrogenase Deficiency; SSADH DEFICIENCY; 4-HYDROXYBUTYRIC ACIDURIA; GABA METABOLIC DEFECT. Identifiers: Orphanet 22, MedGen C0268631, MONDO:0010083, OMIM 271980.
ALDH5A1-related disorder. Also called: ALDH5A1-related condition.

Allele frequency attached by ClinVar (database versions not stated): ExAC below 0.00001; 1000 Genomes Project 30x 0.00016; TOPMed 0.00029.
gnomAD v4.1: 64 of 1,319,588 alleles (0.0048%); highest among the groups gnomAD compares: African/African-American, 0.092%; no homozygotes.

Submissions (4):

Labcorp Genetics (formerly Invitae), Labcorp
Classification: Likely benign for Succinate-semialdehyde dehydrogenase deficiency. Last evaluated: 2026-01-09. Review status: criteria provided, single submitter. Criteria: Invitae Variant Classification Sherloc (09022015). Collection method: clinical testing. Allele origin: germline.

GeneDx
Classification: Likely benign. Last evaluated: 2020-02-06. Review status: criteria provided, single submitter. Criteria: GeneDx Variant Classification Process June 2021. Collection method: clinical testing. Allele origin: germline. Affected: yes.

Eurofins Ntd Llc (ga)
Classification: Uncertain significance. Last evaluated: 2018-04-03. Review status: criteria provided, single submitter. Criteria: EGL ClinVar v180209 classification definitions. Collection method: clinical testing. Allele origin: germline. Observed: 1 variant allele, 1 heterozygote.

PreventionGenetics, part of Exact Sciences
Classification: Likely benign for ALDH5A1-related condition. Last evaluated: 2024-02-21. Review status: no assertion criteria provided. Collection method: clinical testing. Allele origin: germline. Not counted in ClinVar's aggregate classification.
Comment: This variant is classified as likely benign based on ACMG/AMP sequence variant interpretation guidelines (Richards et al. 2015 PMID: 25741868, with internal and published modifications).

NM_001080.3(ALDH5A1):c.102C>G (p.Ala34=)

Genes: ALDH5A1 (aldehyde dehydrogenase 5 family member A1; plus strand), GPLD1 (glycosylphosphatidylinositol specific phospholipase D1; minus strand), LOC129995978 (ATAC-STARR-seq lymphoblastoid silent region 16989; plus strand). Cytogenetic location: 6p22.3.
Variant type: single nucleotide variant.
Coding change: c.102C>G on transcript NM_001080.3 (MANE Select); coding-DNA position 102, C replaced by G.
Protein change: p.Ala34=; no amino-acid change (alanine 34 retained).
Molecular consequence: synonymous variant.
Genome position (GRCh38, 1-based): chr6:24,495,098, C>G. VCF-style: chr6-24495098-C-G. GRCh37 (hg19) VCF-style: chr6-24495326-C-G.
Other names: c.102C>G, p.Ala34= (NM_001368954.1, NM_170740.1).
Identifiers: ClinVar variation 596498 (VCV000596498.18), dbSNP rs779034609, ClinGen allele CA3656571.
Genomic context (GRCh38, chr6:24,495,098, plus strand): 5'-CCTCGGGTCGACGTTTCCAGGCTGCCGCCTCCGCCCCCGCGCCGGCGGCCTGGTCCCTGC[C>G]TCCGGGCCTGCGCCCGGCCCGGCCCAGCTCCGCTGCTACGCTGGGCGCCTGGCGGGCCTC-3'
Protein context (NP_001071.1, residues 24-44): LRPRAGGLVP[Ala34=]SGPAPGPAQL